The following is an entry in ClinVar:

NM_000138.5(FBN1):c.1231C>T (p.Pro411Ser)

Gene: FBN1 (fibrillin 1; minus strand). Cytogenetic location: 15q21.1.
Variant type: single nucleotide variant.
Coding change: c.1231C>T on transcript NM_000138.5 (MANE Select); coding-DNA position 1231, C replaced by T.
Protein change: p.Pro411Ser; replaces proline 411 with serine.
Molecular consequence: missense variant.
Genome position (GRCh38, 1-based): chr15:48,516,279, G>A on the plus strand (C>T on the coding strand, the complement: FBN1 is on the minus strand). VCF-style: chr15-48516279-G-A. GRCh37 (hg19) VCF-style: chr15-48808476-G-A.
Other names: short protein forms P411S.
Identifiers: ClinVar variation 1060553 (VCV001060553.9), dbSNP rs2141331032, ClinGen allele CA392345573.

ClinVar aggregate classification (germline): Uncertain significance (1 of 4 stars; one submission).

Conditions:
Marfan syndrome (MFS). Also called: FBN1-Related Marfan Syndrome; MARFAN SYNDROME, TYPE I; Marfan syndrome type 1; Marfan's syndrome; Marfan syndrome, classic. Identifiers: Orphanet 284963, Orphanet 558, MedGen C0024796, MONDO:0007947, OMIM 154700.
Familial thoracic aortic aneurysm and aortic dissection (TAAD). Also called: Thoracic aortic aneurysms and dissections. Identifiers: Orphanet 91387, MedGen C4707243, MONDO:0019625.

Allele frequency attached by ClinVar (database versions not stated): gnomAD exomes below 0.00001.
gnomAD v4.1: 1 of 1,613,494 alleles (0.000062%); highest among the groups gnomAD compares: Non-Finnish European, 0.000085%; no homozygotes.

Submission:

Labcorp Genetics (formerly Invitae), Labcorp
Classification: Uncertain significance for Marfan syndrome; Familial thoracic aortic aneurysm and aortic dissection. Last evaluated: 2020-04-14. Review status: criteria provided, single submitter. Criteria: Invitae Variant Classification Sherloc (09022015). Collection method: clinical testing. Allele origin: germline.
Comment: This variant has not been reported in the literature in individuals with FBN1-related conditions. In summary, the available evidence is currently insufficient to determine the role of this variant in disease. Therefore, it has been classified as a Variant of Uncertain Significance. Algorithms developed to predict the effect of missense changes on protein structure and function (SIFT, PolyPhen-2, Align-GVGD) all suggest that this variant is likely to be tolerated, but these predictions have not been confirmed by published functional studies and their clinical significance is uncertain. This variant is not present in population databases (ExAC no frequency). This sequence change replaces proline with serine at codon 411 of the FBN1 protein (p.Pro411Ser). The proline residue is moderately conserved and there is a moderate physicochemical difference between proline and serine.